The following is an entry in ClinVar:

NM_001606.5(ABCA2):c.5763G>T (p.Val1921=)

Genes: ABCA2 (ATP binding cassette subfamily A member 2; minus strand), LOC126860796 (CDK7 strongly-dependent group 2 enhancer GRCh37_chr9:139904888-139906087; plus strand). Cytogenetic location: 9q34.3.
Variant type: single nucleotide variant.
Coding change: c.5763G>T on transcript NM_001606.5 (MANE Select); coding-DNA position 5763, G replaced by T.
Protein change: p.Val1921=; no amino-acid change (valine 1921 retained).
Molecular consequence: synonymous variant.
Genome position (GRCh38, 1-based): chr9:137,011,443, C>A on the plus strand (G>T on the coding strand, the complement: ABCA2 is on the minus strand). VCF-style: chr9-137011443-C-A. GRCh37 (hg19) VCF-style: chr9-139905895-C-A.
Other names: c.5760G>T, p.Val1920= (NM_001411042.1); c.5853G>T, p.Val1951= (NM_212533.3).
Identifiers: ClinVar variation 2579080 (VCV002579080.25), dbSNP rs35099111, ClinGen allele CA5353889.

ClinVar aggregate classification (germline): Benign (1 of 4 stars; one submission).

Allele frequency attached by ClinVar (database versions not stated): 1000 Genomes Project 30x 0.00156; 1000 Genomes Project 0.00180; TOPMed 0.00797; gnomAD 0.00864; ESP Exome Variant Server 0.00893; ExAC 0.01012; gnomAD exomes 0.01076.
gnomAD v4.1: 16,912 of 1,611,226 alleles (1%); highest among the groups gnomAD compares: Non-Finnish European, 1.2%; 112 homozygotes.

Submission:

CeGaT Center for Human Genetics Tuebingen
Classification: Benign. Last evaluated: 2026-09-01. Review status: criteria provided, single submitter. Criteria: CeGaT Center For Human Genetics Tuebingen Variant Classification Criteria Version 2. Collection method: clinical testing. Allele origin: germline. Affected: yes. Observed: 49 variant alleles.
Comment: ABCA2: BP4, BP7, BS1, BS2